The following is an entry in ClinVar:

ClinVar aggregate classification (germline): Uncertain significance (1 of 4 stars; one submission).

Submission:

GeneDx
Classification: Uncertain significance. Last evaluated: 2026-03-29. Review status: criteria provided, single submitter. Criteria: GeneDx Variant Classification Process June 2021. Collection method: clinical testing. Allele origin: germline.
Comment: Not observed at significant frequency in large population cohorts (gnomAD); In silico analysis supports that this missense variant has a deleterious effect on protein structure/function; Has not been previously published as pathogenic or benign to our knowledge

NM_001113407.3(LDB1):c.220C>T (p.Leu74Phe)

Genes: LDB1 (LIM domain binding 1; minus strand), LOC126861021 (CDK7 strongly-dependent group 2 enhancer GRCh37_chr10:103870016-103871215; plus strand). Cytogenetic location: 10q24.32.
Variant type: single nucleotide variant.
Coding change: c.220C>T on transcript NM_001113407.3 (MANE Select); coding-DNA position 220, C replaced by T.
Protein change: p.Leu74Phe; replaces leucine 74 with phenylalanine.
Molecular consequence: missense variant.
Genome position (GRCh38, 1-based): chr10:102,111,098, G>A on the plus strand (C>T on the coding strand, the complement: LDB1 is on the minus strand). VCF-style: chr10-102111098-G-A. GRCh37 (hg19) VCF-style: chr10-103870855-G-A.
Other names: c.220C>T, p.Leu74Phe (NM_001321612.2); c.112C>T, p.Leu38Phe (NM_003893.5); short protein forms L38F, L74F.
Identifiers: ClinVar variation 5017891 (VCV005017891.1).
Genomic context (GRCh38, chr10:102,111,098, plus strand): 5'-CTGCTCCCAGCCCCTTTTCCCTTGGCCATACCTCTGTCCAGTTCTGAAGCCGTTTGTTAA[G>A]CTCAAATATTCTGTAGTCAGTTTGGTTGCCATATGGTGTGTGCCTCCTGGAGGAAGTGAA-3'
Protein context (NP_001106878.1, residues 64-84): GNQTDYRIFE[Leu74Phe]NKRLQNWTEE